The following is an entry in ClinVar:

ClinVar aggregate classification (germline): Benign (1 of 4 stars; one submission).

Submission:

GeneDx
Classification: Benign. Last evaluated: 2018-06-19. Review status: criteria provided, single submitter. Criteria: GeneDx Variant Classification (06012015). Collection method: clinical testing. Allele origin: germline. Affected: yes.
Comment: This variant is considered likely benign or benign based on one or more of the following criteria: it is a conservative change, it occurs at a poorly conserved position in the protein, it is predicted to be benign by multiple in silico algorithms, and/or has population frequency not consistent with disease.

NM_007327.4(GRIN1):c.672-267_672-229del

Gene: GRIN1 (glutamate ionotropic receptor NMDA type subunit 1; plus strand). Cytogenetic location: 9q34.3.
Variant type: Deletion.
Coding change: c.672-267_672-229del on transcript NM_007327.4 (MANE Select); 267 bases into the intron before coding-DNA position 672 through 229 bases into the intron before coding-DNA position 672, 39 bases deleted.
Molecular consequence: intron variant.
Genome position (GRCh38, 1-based): chr9:137,156,402-137,156,440, 39 bases deleted; deleting any 39 consecutive bases within chr9:137,156,380-137,156,440 gives the same sequence; the c. name uses the placement nearest the transcript's 3' end. GRCh37 (hg19): chr9:140,050,854-140,050,892.
Other names: c.735-267_735-229del (NM_001185090.2, NM_001185091.2); c.672-267_672-229del (NM_021569.4, NM_000832.7).
Identifiers: ClinVar variation 668913 (VCV000668913.1), dbSNP rs755849037, ClinGen allele CA201738059.
Genomic context (GRCh38, chr9:137,156,379, plus strand): 5'-TAAGCCAGGTATCTAACCCCATCCCTGCTCCCCCAAGGTAAGGGCCAGCATCTAACCCCA[CCCCTGCTCCCCCAAGGTAAGGGCCAGCATCTAACCCCAT>C]CCCTGCTCCCCCAAGGTAAGGGGGCCAGCATCTAACCCCATCCCTGCTCCCCCAAGGTAA-3'